The following is an entry in ClinVar:

ClinVar aggregate classification (germline): Uncertain significance (1 of 4 stars; one submission).

Submission:

GeneDx
Classification: Uncertain significance. Last evaluated: 2026-10-15. Review status: criteria provided, single submitter. Criteria: GeneDx Variant Classification Process June 2021. Collection method: clinical testing. Allele origin: germline.
Comment: Not observed at significant frequency in large population cohorts (gnomAD); In silico analysis supports that this missense variant has a deleterious effect on protein structure/function; Has not been previously published as pathogenic or benign to our knowledge

NM_000384.3(APOB):c.7320T>A (p.Asn2440Lys)

Gene: APOB (apolipoprotein B; minus strand). Cytogenetic location: 2p24.1.
Variant type: single nucleotide variant.
Coding change: c.7320T>A on transcript NM_000384.3 (MANE Select); coding-DNA position 7320, T replaced by A.
Protein change: p.Asn2440Lys; replaces asparagine 2440 with lysine.
Molecular consequence: missense variant.
Genome position (GRCh38, 1-based): chr2:21,009,548, A>T on the plus strand (T>A on the coding strand, the complement: APOB is on the minus strand). VCF-style: chr2-21009548-A-T. GRCh37 (hg19) VCF-style: chr2-21232420-A-T.
Other names: short protein forms N2440K.
Identifiers: ClinVar variation 4975728 (VCV004975728.2).
Genomic context (GRCh38, chr2:21,009,548, plus strand): 5'-TGGTAGTTCCAGAGCCTGAATTTCACCATTGAGTCTCTGAGTCACCTCACGGATTTTGTC[A>T]TTGGTTTCATCTACAAACTGGTGGTAATCAAATGACTTTAATTTCTTTATCAACATGTCA-3'
Protein context (NP_000375.3, residues 2430-2450): FDYHQFVDET[Asn2440Lys]DKIREVTQRL